The following is an entry in ClinVar:

NM_153350.4(FBXL16):c.1335G>A (p.Gln445=)

Gene: FBXL16 (F-box and leucine rich repeat protein 16; minus strand). Cytogenetic location: 16p13.3.
Variant type: single nucleotide variant.
Coding change: c.1335G>A on transcript NM_153350.4 (MANE Select); coding-DNA position 1335, G replaced by A.
Protein change: p.Gln445=; no amino-acid change (glutamine 445 retained).
Molecular consequence: synonymous variant.
Genome position (GRCh38, 1-based): chr16:694,380, C>T on the plus strand (G>A on the coding strand, the complement: FBXL16 is on the minus strand). VCF-style: chr16-694380-C-T. GRCh37 (hg19) VCF-style: chr16-744380-C-T.
Identifiers: ClinVar variation 2645852 (VCV002645852.24), dbSNP rs2543870646, ClinGen allele CA492824284.
Genomic context (GRCh38, chr16:694,380, plus strand): 5'-GAAGAGCTCGGGGGTGGCCCCGGGGCAGTTGGTCAGCTCCAGCTCCTCCAGCTCCTGCAG[C>T]TGCACCAGGCCCGACAGCCCGGTGGTGGTGAGCAGCGGGCAGCCTGCGGCGGGGTCAGAG-3'
Protein context (NP_699181.2, residues 435-455): LTTTGLSGLV[Gln445=]LQELEELELT

ClinVar aggregate classification (germline): Likely benign (1 of 4 stars; one submission).

Allele frequency attached by ClinVar (database versions not stated): gnomAD exomes below 0.00001.

Submission:

CeGaT Center for Human Genetics Tuebingen
Classification: Likely benign. Last evaluated: 2023-01-01. Review status: criteria provided, single submitter. Criteria: CeGaT Center For Human Genetics Tuebingen Variant Classification Criteria Version 2. Collection method: clinical testing. Allele origin: germline. Affected: yes. Observed: 1 variant allele.
Comment: FBXL16: PM2:Supporting, BP4, BP7